The following is an entry in ClinVar:

NM_005655.4(KLF10):c.514A>G (p.Met172Val)

Gene: KLF10 (KLF transcription factor 10; minus strand). Cytogenetic location: 8q22.3.
Variant type: single nucleotide variant.
Coding change: c.514A>G on transcript NM_005655.4 (MANE Select); coding-DNA position 514, A replaced by G.
Protein change: p.Met172Val; replaces methionine 172 with valine.
Molecular consequence: missense variant.
Genome position (GRCh38, 1-based): chr8:102,651,818, T>C on the plus strand (A>G on the coding strand, the complement: KLF10 is on the minus strand). VCF-style: chr8-102651818-T-C. GRCh37 (hg19) VCF-style: chr8-103664046-T-C.
Other names: c.481A>G, p.Met161Val (NM_001032282.4); short protein forms M161V, M172V.
Identifiers: ClinVar variation 3631656 (VCV003631656.2).

ClinVar aggregate classification (germline): Uncertain significance (1 of 4 stars; one submission).

Submission:

Labcorp Genetics (formerly Invitae), Labcorp
Classification: Uncertain significance. Last evaluated: 2024-02-16. Review status: criteria provided, single submitter. Criteria: Invitae Variant Classification Sherloc (09022015). Collection method: clinical testing. Allele origin: germline.
Comment: This sequence change replaces methionine, which is neutral and non-polar, with valine, which is neutral and non-polar, at codon 172 of the KLF10 protein (p.Met172Val). This variant is present in population databases (no rsID available, gnomAD 0.003%). This variant has not been reported in the literature in individuals affected with KLF10-related conditions. Algorithms developed to predict the effect of missense changes on protein structure and function output the following: SIFT: "Not Available"; PolyPhen-2: "Benign"; Align-GVGD: "Not Available". The valine amino acid residue is found in multiple mammalian species, which suggests that this missense change does not adversely affect protein function. In summary, the available evidence is currently insufficient to determine the role of this variant in disease. Therefore, it has been classified as a Variant of Uncertain Significance.